The following is an entry in ClinVar:

ClinVar aggregate classification (germline): Uncertain significance. Review status: criteria provided, multiple submitters, no conflicts (2 of 4 stars). 10 submissions from 10 submitters: Uncertain significance (10). Last evaluated 2025-06-20.

Conditions:
Cardiovascular phenotype. Identifiers: MedGen CN230736.
Hypertrophic cardiomyopathy 4. Also called: Familial hypertrophic cardiomyopathy 4. Identifiers: MedGen C1861862, MONDO:0007268, OMIM 115197.
Left ventricular noncompaction 10 (LVNC10). Identifiers: Orphanet 154, Orphanet 54260, MedGen C3715165, MONDO:0014163, OMIM 615396.
Cardiomyopathy (CMYO). Also called: Cardiomyopathies. Identifiers: Orphanet 167848, MedGen C0878544, MONDO:0004994, HP:0001638. Inheritance: Various modes of inheritance.
Hypertrophic cardiomyopathy. Also called: HYPERTROPHIC MYOCARDIOPATHY. Identifiers: Orphanet 217569, MedGen C0007194, MeSH D002312, MONDO:0005045, HP:0001639.

Allele frequency attached by ClinVar (database versions not stated): ExAC 0.00001; TOPMed 0.00001; gnomAD 0.00002; gnomAD exomes 0.00002.

Submissions (10):

Ambry Genetics
Classification: Uncertain significance for Cardiovascular phenotype. Last evaluated: 2025-06-20. Review status: criteria provided, single submitter. Criteria: Ambry Variant Classification Scheme 2023. Collection method: clinical testing. Allele origin: germline.
Comment: The p.V375M variant (also known as c.1123G>A), located in coding exon 13 of the MYBPC3 gene, results from a G to A substitution at nucleotide position 1123. The valine at codon 375 is replaced by methionine, an amino acid with highly similar properties. This alteration has been reported in hypertrophic cardiomyopathy (HCM) and dilated cardiomyopahty (DCM) cohorts; however, clinical details were limited (Lopes LR et al. Heart, 2015 Feb;101:294-301; Walsh R et al. Genet. Med., 2017 02;19:192-203). This amino acid position is well conserved in available vertebrate species. In addition, the in silico prediction for this alteration is inconclusive. Since supporting evidence is limited at this time, the clinical significance of this alteration remains unclear.

ARUP Laboratories, Molecular Genetics and Genomics, ARUP Laboratories
Classification: Uncertain significance. Last evaluated: 2024-10-15. Review status: criteria provided, single submitter. Criteria: ARUP Molecular Germline Variant Investigation Process 2024. Collection method: clinical testing. Allele origin: germline.
Comment: The MYBPC3 c.1123G>A; p.Val375Met variant (rs727503208; ClinVar ID: 164128) is reported in the literature in several individuals affected with hypertrophic cardiomyopathy or dilated cardiomyopathy (Lopes 2015, Mazzarotto 2020, Walsh 2017). This variant is found in the general population with an overall allele frequency of 0.002% (5/278,004 alleles) in the Genome Aggregation Database (v2.1.1). Computational analyses are uncertain whether this variant is neutral or deleterious (REVEL: 0.641). Due to limited information, the clinical significance of this variant is uncertain at this time. References: Lopes LR et al. Novel genotype-phenotype associations demonstrated by high-throughput sequencing in patients with hypertrophic cardiomyopathy. Heart. 2015 Feb;101(4):294-301. PMID: 25351510. Mazzarotto F et al. Reevaluating the Genetic Contribution of Monogenic Dilated Cardiomyopathy. Circulation. 2020 Feb 4;141(5):387-398. PMID: 31983221. Walsh R et al. Reassessment of Mendelian gene pathogenicity using 7,855 cardiomyopathy cases and 60,706 reference samples. Genet Med. 2017 Feb;19(2):192-203. PMID: 27532257.

Color Diagnostics, LLC DBA Color Health
Classification: Uncertain significance for Cardiomyopathy. Last evaluated: 2024-02-25. Review status: criteria provided, single submitter. Criteria: ACMG Guidelines, 2015. Collection method: clinical testing. Allele origin: germline.
Comment: This missense variant replaces valine with methionine at codon 375 of the MYBPC3 protein. Computational prediction tools indicate that this variant has a deleterious impact on protein structure and function. To our knowledge, functional studies have not been reported for this variant. This variant has been reported in at least three individuals affected with hypertrophic cardiomyopathy (PMID: 25351510, 27532257) and in one individual affected with dilated cardiomyopathy (PMID: 27532257, 31983221). This variant has been identified in 5/278004 chromosomes in the general population by the Genome Aggregation Database (gnomAD). The available evidence is insufficient to determine the role of this variant in disease conclusively. Therefore, this variant is classified as a Variant of Uncertain Significance.

Clinical Genomics Laboratory, Washington University in St. Louis
Classification: Uncertain significance for Hypertrophic cardiomyopathy 4. Last evaluated: 2024-01-27. Review status: criteria provided, single submitter. Criteria: ACMG Guidelines, 2015. Collection method: clinical testing. Allele origin: germline.
Comment: The MYBPC3 c.1123G>A (p.Val375Met) variant has been reported in several individuals with cardiomyopathy (Lopes LR et al., PMID: 25351510; Walsh R et al., PMID: 27532257; Mazzarotto F et al., PMID: 31983221). This variant has been reported in the ClinVar database as a variant of uncertain significance by multiple submitters (ClinVar Variation ID: 164128). This variant is observed on 39/1,612,772 alleles in the general population (gnomAD v4.0.0). Computational predictors are uncertain as to the impact of this variant on MYBPC3 function. Due to limited information, and based on ACMG/AMP guidelines for variant interpretation (Richards S et al., PMID: 25741868), the clinical significance of the MYBPC3 c.1123G>A (p.Val375Met) variant is uncertain at this time.

Labcorp Genetics (formerly Invitae), Labcorp
Classification: Uncertain significance for Hypertrophic cardiomyopathy. Last evaluated: 2024-01-22. Review status: criteria provided, single submitter. Criteria: Invitae Variant Classification Sherloc (09022015). Collection method: clinical testing. Allele origin: germline.
Comment: This sequence change replaces valine, which is neutral and non-polar, with methionine, which is neutral and non-polar, at codon 375 of the MYBPC3 protein (p.Val375Met). This variant is present in population databases (rs727503208, gnomAD 0.004%). This missense change has been observed in individual(s) with dilated cardiomyopathy and/or hypertrophic cardiomyopathy (PMID: 25351510, 27532257, 31983221). ClinVar contains an entry for this variant (Variation ID: 164128). An algorithm developed to predict the effect of missense changes on protein structure and function (PolyPhen-2) suggests that this variant is likely to be disruptive. In summary, the available evidence is currently insufficient to determine the role of this variant in disease. Therefore, it has been classified as a Variant of Uncertain Significance.

All of Us Research Program, National Institutes of Health
Classification: Uncertain significance for Hypertrophic cardiomyopathy. Last evaluated: 2023-10-30. Review status: criteria provided, single submitter. Criteria: ACMG Guidelines, 2015. Collection method: clinical testing. Allele origin: germline. Inheritance: Autosomal dominant inheritance. Observed: 11 variant alleles, 11 heterozygotes.
Comment: This missense variant replaces valine with methionine at codon 375 of the MYBPC3 protein. Computational prediction is inconclusive regarding the impact of this variant on protein structure and function (internally defined REVEL score threshold 0.5 < inconclusive < 0.7, PMID: 27666373). To our knowledge, functional studies have not been reported for this variant. This variant has been reported in at least 3 individuals affected with hypertrophic cardiomyopathy (PMID: 25351510, 27532257) and in an individual affected with dilated cardiomyopathy (PMID: 27532257, 31983221). This variant has been identified in 5/278004 chromosomes in the general population by the Genome Aggregation Database (gnomAD). The available evidence is insufficient to determine the role of this variant in disease conclusively. Therefore, this variant is classified as a Variant of Uncertain Significance.

This study involves interpretation of variants in research participants for the purpose of population health screening. Participant phenotype was not available at the time of variant classification. Additional details can be found in publication PMID: 35346344, PMCID: PMC8962531

CHEO Genetics Diagnostic Laboratory, Children's Hospital of Eastern Ontario
Classification: Uncertain significance for Cardiomyopathy. Last evaluated: 2022-10-17. Review status: criteria provided, single submitter. Criteria: ACMG Guidelines, 2015. Collection method: clinical testing. Allele origin: germline.

GeneDx
Classification: Uncertain significance. Last evaluated: 2022-02-01. Review status: criteria provided, single submitter. Criteria: GeneDx Variant Classification Process June 2021. Collection method: clinical testing. Allele origin: germline. Affected: yes.
Comment: Identified among cohorts of patients with HCM and DCM (Lopes et al., 2015; Walsh et al., 2017; Mazzarotto et al., 2020); Not observed at significant frequency in large population cohorts (gnomAD); In silico analysis supports that this missense variant has a deleterious effect on protein structure/function; This variant is associated with the following publications: (PMID: 25351510, 27532257, 28679633, 31983221)

Fulgent Genetics
Classification: Uncertain significance for Hypertrophic cardiomyopathy 4; Left ventricular noncompaction 10. Last evaluated: 2021-10-13. Review status: criteria provided, single submitter. Criteria: ACMG Guidelines, 2015. Collection method: clinical testing. Allele origin: unknown.

Laboratory for Molecular Medicine, Mass General Brigham Personalized Medicine
Classification: Uncertain significance. Last evaluated: 2014-08-18. Review status: criteria provided, single submitter. Criteria: LMM Criteria. Collection method: clinical testing. Allele origin: germline. Observed: 1 variant allele.
Comment: The Val375Met variant in MYBPC3 has not been previously reported in individuals with cardiomyopathy or in large population studies. Computational prediction too ls and conservation analysis suggest that this variant may impact the protein, t hough this information is not predictive enough to determine pathogenicity. In s ummary, the clinical significance of the Val375Met variant is uncertain.

Literature cited by the submitters: PubMed 25351510 (cited by 4 submitters); PubMed 27532257 (cited by 4 submitters); PubMed 31983221 (cited by 4 submitters).

NM_000256.3(MYBPC3):c.1123G>A (p.Val375Met)

Gene: MYBPC3 (myosin binding protein C3; minus strand). Cytogenetic location: 11p11.2.
Variant type: single nucleotide variant.
Coding change: c.1123G>A on transcript NM_000256.3 (MANE Select); coding-DNA position 1123, G replaced by A.
Protein change: p.Val375Met; replaces valine 375 with methionine.
Molecular consequence: missense variant.
Genome position (GRCh38, 1-based): chr11:47,343,592, C>T on the plus strand (G>A on the coding strand, the complement: MYBPC3 is on the minus strand). VCF-style: chr11-47343592-C-T. GRCh37 (hg19) VCF-style: chr11-47365143-C-T.
Other names: short protein forms V375M.
Identifiers: ClinVar variation 164128 (VCV000164128.21), dbSNP rs727503208, ClinGen allele CA009805.